The following is an entry in ClinVar:

ClinVar aggregate classification (germline): Pathogenic/Likely pathogenic. Review status: criteria provided, multiple submitters, no conflicts (2 of 4 stars). 3 submissions from 3 submitters: Pathogenic (2); Likely pathogenic (1). Last evaluated 2024-04-05.

Conditions:
Glycogen storage disease, type II (IOPD). Also called: CARDIOMEGALIA GLYCOGENICA DIFFUSA; GLYCOGENOSIS, GENERALIZED, CARDIAC FORM; GSD II; Glycogen storage disease type 2; Acid maltase deficiency disease; Aglucosidase alfa. Identifiers: Orphanet 365, MedGen C0017921, MONDO:0009290, OMIM 232300.

Submissions (3):

Natera, Inc.
Classification: Likely pathogenic for Glycogen storage disease type II. Last evaluated: 2024-04-05. Review status: criteria provided, single submitter. Criteria: Natera Variant Classification Schema (03/2026). Collection method: clinical testing. Allele origin: germline.
Comment: The c.1557_1561dupGAACG variant in GAA is a frameshift variant predicted to shift the reading frame beginning at codon 521 and leads to a stop codon 59 codons downstream. This variant is expected to result in nonsense mediated decay, truncation, or a dysfunctional protein product. This variant is rare in the general population with a frequency below the threshold expected for the associated phenotype(s). Given the available evidence, this variant is classified as Likely Pathogenic.

Myriad Genetics, Inc.
Classification: Pathogenic for Glycogen storage disease, type II. Last evaluated: 2024-02-15. Review status: criteria provided, single submitter. Criteria: Myriad Autosomal Dominant, Autosomal Recessive and X-Linked Classification Criteria (2023). Collection method: clinical testing. Allele origin: unknown.
Comment: NM_000152.3(GAA):c.1557_1561dup5(E521Gfs*59) is expected to be pathogenic in the context of Pompe disease. This variant is predicted to lead to an abnormal or absent protein product due to the creation of a premature termination codon in GAA, a gene where loss-of-function variants are known to be pathogenic. Please note: this variant was assessed in the context of healthy population screening.

Labcorp Genetics (formerly Invitae), Labcorp
Classification: Pathogenic for Glycogen storage disease, type II. Last evaluated: 2022-08-16. Review status: criteria provided, single submitter. Criteria: Invitae Variant Classification Sherloc (09022015). Collection method: clinical testing. Allele origin: germline.
Comment: This variant is not present in population databases (gnomAD no frequency). This variant has not been reported in the literature in individuals affected with GAA-related conditions. ClinVar contains an entry for this variant (Variation ID: 1068980). For these reasons, this variant has been classified as Pathogenic. This sequence change creates a premature translational stop signal (p.Glu521Glyfs*59) in the GAA gene. It is expected to result in an absent or disrupted protein product. Loss-of-function variants in GAA are known to be pathogenic (PMID: 18425781, 22252923).

Literature cited by the submitters: PubMed 18425781 (cited by Labcorp Genetics (formerly Invitae), Labcorp); PubMed 22252923 (cited by Labcorp Genetics (formerly Invitae), Labcorp).

NM_000152.5(GAA):c.1557_1561dup (p.Glu521fs)

Gene: GAA (alpha glucosidase; plus strand). Cytogenetic location: 17q25.3.
Variant type: Duplication.
Coding change: c.1557_1561dup on transcript NM_000152.5 (MANE Select); coding-DNA positions 1557 to 1561, 5 bases duplicated (GAACG; older notation c.1557_1561dupGAACG).
Protein change: p.Glu521fs; shifts the reading frame from glutamic acid 521.
Molecular consequence: frameshift variant.
Genome position (GRCh38, 1-based): chr17:80,110,946-80,110,950, GAACG duplicated. VCF-style (leftmost placement, unchanged base first): chr17-80110945-T-TGAACG. GRCh37 (hg19) VCF-style: chr17-78084744-T-TGAACG.
Other names: c.1557_1561dup, p.Glu521fs (NM_001079803.3, NM_001079804.3); c.1557_1561dupGAACG (NM_000152.4); short protein forms E521fs.
Identifiers: ClinVar variation 1068980 (VCV001068980.9), dbSNP rs2143874124, ClinGen allele CA2499225013.